The following is an entry in ClinVar:

NM_016032.4(ZDHHC9):c.7G>A (p.Val3Met)

Gene: ZDHHC9 (zDHHC palmitoyltransferase 9; minus strand). Cytogenetic location: Xq26.1.
Variant type: single nucleotide variant.
Coding change: c.7G>A on transcript NM_016032.4 (MANE Select); coding-DNA position 7, G replaced by A.
Protein change: p.Val3Met; replaces valine 3 with methionine.
Molecular consequence: missense variant.
Genome position (GRCh38, 1-based): chrX:129,841,939, C>T on the plus strand (G>A on the coding strand, the complement: ZDHHC9 is on the minus strand). VCF-style: chrX-129841939-C-T. GRCh37 (hg19) VCF-style: chrX-128975915-C-T.
Other names: c.7G>A, p.Val3Met (NM_001008222.3); short protein forms V3M.
Identifiers: ClinVar variation 3721885 (VCV003721885.2).

ClinVar aggregate classification (germline): Uncertain significance (1 of 4 stars; one submission).

Conditions:
Intellectual developmental disorder, X-linked, syndromic, Raymond type. Also called: Syndromic X-linked intellectual disability Raymond type. Identifiers: MedGen C3275406, MONDO:0010427, OMIM 300799.

gnomAD v4.1: 1 of 1,211,656 alleles (0.000083%); highest among the groups gnomAD compares: Non-Finnish European, 0.00011%; no homozygotes.

Submission:

Labcorp Genetics (formerly Invitae), Labcorp
Classification: Uncertain significance for Intellectual developmental disorder, X-linked, syndromic, Raymond type. Last evaluated: 2024-09-30. Review status: criteria provided, single submitter. Criteria: Invitae Variant Classification Sherloc (09022015). Collection method: clinical testing. Allele origin: germline.
Comment: This sequence change replaces valine, which is neutral and non-polar, with methionine, which is neutral and non-polar, at codon 3 of the ZDHHC9 protein (p.Val3Met). This variant is not present in population databases (gnomAD no frequency). This variant has not been reported in the literature in individuals affected with ZDHHC9-related conditions. An algorithm developed to predict the effect of missense changes on protein structure and function (PolyPhen-2) suggests that this variant is likely to be disruptive. In summary, the available evidence is currently insufficient to determine the role of this variant in disease. Therefore, it has been classified as a Variant of Uncertain Significance.